The following is an entry in ClinVar:

ClinVar aggregate classification (germline): Uncertain significance (1 of 4 stars; one submission).

Submission:

Labcorp Genetics (formerly Invitae), Labcorp
Classification: Uncertain significance. Last evaluated: 2022-11-11. Review status: criteria provided, single submitter. Criteria: Invitae Variant Classification Sherloc (09022015). Collection method: clinical testing. Allele origin: unknown.
Comment: In summary, the available evidence is currently insufficient to determine the role of this variant in disease. Therefore, it has been classified as a Variant of Uncertain Significance. This variant has not been reported in the literature in individuals affected with IMPG1-related conditions. This variant results in a copy number gain of the genomic region encompassing exon(s) 16-17 of the IMPG1 gene. This region includes the termination codon of the gene. This copy number gain extends beyond the assayed region for this gene and therefore may encompass additional genes. As the precise location of this event is unknown, it may be in tandem or it may be located elsewhere in the genome.

NC_000006.11:g.(?_76631806)_(76633443_?)dup

Gene: IMPG1 (interphotoreceptor matrix proteoglycan 1; minus strand). Cytogenetic location: 6q14.1.
Variant type: Duplication.
Identifiers: ClinVar variation 3246161 (VCV003246161.1).